The following is an entry in ClinVar:

NM_000112.4(SLC26A2):c.1052A>G (p.Lys351Arg)

Gene: SLC26A2 (solute carrier family 26 member 2; plus strand). Cytogenetic location: 5q32.
Variant type: single nucleotide variant.
Coding change: c.1052A>G on transcript NM_000112.4 (MANE Select); coding-DNA position 1052, A replaced by G.
Protein change: p.Lys351Arg; replaces lysine 351 with arginine.
Molecular consequence: missense variant.
Genome position (GRCh38, 1-based): chr5:149,980,645, A>G. VCF-style: chr5-149980645-A-G. GRCh37 (hg19) VCF-style: chr5-149360208-A-G.
Other names: short protein forms K351R.
Identifiers: ClinVar variation 1980868 (VCV001980868.3), dbSNP rs1255503996, ClinGen allele CA361707043.

ClinVar aggregate classification (germline): Uncertain significance. Review status: criteria provided, multiple submitters, no conflicts (2 of 4 stars). 2 submissions from 2 submitters: Uncertain significance (2). Last evaluated 2024-05-15.

Conditions:
Achondrogenesis, type IB (ACG1B). Also called: Achondrogenesis Type 1B. Identifiers: Orphanet 932, Orphanet 93298, MedGen C0265274, MONDO:0010966, OMIM 600972.
Multiple epiphyseal dysplasia type 4 (EDM4). Also called: Multiple Epiphyseal Dysplasia, Recessive; MULTIPLE EPIPHYSEAL DYSPLASIA WITH BILAYERED PATELLAE; MULTIPLE EPIPHYSEAL DYSPLASIA WITH CLUBFOOT; MULTIPLE EPIPHYSEAL DYSPLASIA, AUTOSOMAL RECESSIVE; SLC26A2-Related Multiple Epiphyseal Dysplasia. Identifiers: Orphanet 93307, MedGen C1847593, MONDO:0009189, OMIM 226900.
Diastrophic dysplasia (DTD). Also called: Diastrophic dwarfism. Identifiers: Orphanet 628, MedGen C0220726, MONDO:0009107, OMIM 222600.
Atelosteogenesis type II (AO2). Also called: SLC26A2-Related Atelosteogenesis; NEONATAL OSSEOUS DYSPLASIA I; Neonatal osseous dysplasia 1. Identifiers: Orphanet 56304, MedGen C1850554, MONDO:0009727, OMIM 256050.
Inborn genetic diseases. Identifiers: MedGen C0950123, MeSH D030342.

Allele frequency attached by ClinVar (database versions not stated): gnomAD exomes below 0.00001; gnomAD 0.00001; TOPMed 0.00001.

Submissions (2):

Ambry Genetics
Classification: Uncertain significance for Inborn genetic diseases. Last evaluated: 2024-05-15. Review status: criteria provided, single submitter. Criteria: Ambry Variant Classification Scheme 2023. Collection method: clinical testing. Allele origin: germline.

Labcorp Genetics (formerly Invitae), Labcorp
Classification: Uncertain significance for Atelosteogenesis type II; Multiple epiphyseal dysplasia type 4; Achondrogenesis, type IB; Diastrophic dysplasia. Last evaluated: 2021-12-19. Review status: criteria provided, single submitter. Criteria: Invitae Variant Classification Sherloc (09022015). Collection method: clinical testing. Allele origin: germline.
Comment: In summary, the available evidence is currently insufficient to determine the role of this variant in disease. Therefore, it has been classified as a Variant of Uncertain Significance. Algorithms developed to predict the effect of sequence changes on RNA splicing suggest that this variant may create or strengthen a splice site. Advanced modeling of protein sequence and biophysical properties (such as structural, functional, and spatial information, amino acid conservation, physicochemical variation, residue mobility, and thermodynamic stability) performed at Invitae indicates that this missense variant is not expected to disrupt SLC26A2 protein function. This variant has not been reported in the literature in individuals affected with SLC26A2-related conditions. This variant is not present in population databases (gnomAD no frequency). This sequence change replaces lysine, which is basic and polar, with arginine, which is basic and polar, at codon 351 of the SLC26A2 protein (p.Lys351Arg).